The following is an entry in ClinVar:

NM_000548.5(TSC2):c.5327C>T (p.Ala1776Val)

Gene: TSC2 (TSC complex subunit 2; plus strand). Cytogenetic location: 16p13.3.
Variant type: single nucleotide variant.
Coding change: c.5327C>T on transcript NM_000548.5 (MANE Select); coding-DNA position 5327, C replaced by T.
Protein change: p.Ala1776Val; replaces alanine 1776 with valine.
Molecular consequence: missense variant.
Genome position (GRCh38, 1-based): chr16:2,088,513, C>T. VCF-style: chr16-2088513-C-T. GRCh37 (hg19) VCF-style: chr16-2138514-C-T.
Other names: c.5186C>T, p.Ala1729Val (NM_001370405.1); c.5324C>T, p.Ala1775Val (NM_001406663.1); c.5255C>T, p.Ala1752Val (NM_001406664.1); c.5249C>T, p.Ala1750Val (NM_001406665.1); c.5219C>T, p.Ala1740Val (NM_001406667.1); c.5216C>T, p.Ala1739Val (NM_001406668.1); c.5147C>T, p.Ala1716Val (NM_001406670.1); c.5117C>T, p.Ala1706Val (NM_001406671.1); and 27 more; short protein forms A1175V, A1261V, A1262V, A1284V, A1285V, A1305V, A1509V, A1510V.
Identifiers: ClinVar variation 2430885 (VCV002430885.3), dbSNP rs1260718488, ClinGen allele CA394315581.
Genomic context (GRCh38, chr16:2,088,513, plus strand): 5'-AGGAAGCCGCCTACTCCAACCCCAGCCTACCTCTGGTGCACCCTCCGTCCCATAGCAAAG[C>T]CCCTGCACAGACTCCAGCCGAGCCCACACCTGGCTATGAGGTGGGCCAGCGGAAGCGCCT-3'
Protein context (NP_000539.2, residues 1766-1786): PLVHPPSHSK[Ala1776Val]PAQTPAEPTP

ClinVar aggregate classification (germline): Uncertain significance. Review status: criteria provided, multiple submitters, no conflicts (2 of 4 stars). 2 submissions from 2 submitters: Uncertain significance (2). Last evaluated 2026-07-07.

Conditions:
Hereditary cancer-predisposing syndrome. Also called: Hereditary Cancer Syndrome; Hereditary neoplastic syndrome; Neoplastic Syndromes, Hereditary; Tumor predisposition. Identifiers: Orphanet 140162, MedGen C0027672, MeSH D009386, MONDO:0015356.

Allele frequency attached by ClinVar (database versions not stated): gnomAD exomes below 0.00001.
gnomAD v4.1: 2 of 1,612,732 alleles (0.00012%); highest among the groups gnomAD compares: East Asian, 0.0022%; no homozygotes.

Submissions (2):

Ambry Genetics
Classification: Uncertain significance for Hereditary cancer-predisposing syndrome. Last evaluated: 2026-07-07. Review status: criteria provided, single submitter. Criteria: Ambry Variant Classification Scheme 2023. Collection method: clinical testing. Allele origin: germline.
Comment: The p.A1776V variant (also known as c.5327C>T), located in coding exon 41 of the TSC2 gene, results from a C to T substitution at nucleotide position 5327. The alanine at codon 1776 is replaced by valine, an amino acid with similar properties. This amino acid position is conserved. In addition, the in silico prediction for this alteration is inconclusive. Based on the available evidence, the clinical significance of this variant remains unclear.

GeneDx
Classification: Uncertain significance. Last evaluated: 2023-09-13. Review status: criteria provided, single submitter. Criteria: GeneDx Variant Classification Process June 2021. Collection method: clinical testing. Allele origin: germline.
Comment: In silico analysis supports that this missense variant does not alter protein structure/function; Has not been previously published as pathogenic or benign to our knowledge